The following is an entry in ClinVar:

NM_032447.5(FBN3):c.5594T>C (p.Ile1865Thr)

Gene: FBN3 (fibrillin 3; minus strand). Cytogenetic location: 19p13.2.
Variant type: single nucleotide variant.
Coding change: c.5594T>C on transcript NM_032447.5 (MANE Select); coding-DNA position 5594, T replaced by C.
Protein change: p.Ile1865Thr; replaces isoleucine 1865 with threonine.
Molecular consequence: missense variant.
Genome position (GRCh38, 1-based): chr19:8,096,026, A>G on the plus strand (T>C on the coding strand, the complement: FBN3 is on the minus strand). VCF-style: chr19-8096026-A-G. GRCh37 (hg19) VCF-style: chr19-8160910-A-G.
Other names: c.5594T>C, p.Ile1865Thr (NM_001321431.2); short protein forms I1865T.
Identifiers: ClinVar variation 3616565 (VCV003616565.2).
Genomic context (GRCh38, chr19:8,096,026, plus strand): 5'-ACACAATCCCCATTGTGTGTCACCACAAAGCCAGGGAAGCAGAGGCAGTTGTAGGAGCCA[A>G]TGATGTTCTTGCAGGTCCCATTTCCACAAGGCTGCCGGTCACACTCGTCAATGTCTGCAG-3'
Protein context (NP_115823.3, residues 1855-1875): PCGNGTCKNI[Ile1865Thr]GSYNCLCFPG

ClinVar aggregate classification (germline): Uncertain significance (1 of 4 stars; one submission).

gnomAD v4.1: 10 of 1,613,932 alleles (0.00062%); highest among the groups gnomAD compares: East Asian, 0.0045%; no homozygotes.

Submission:

Labcorp Genetics (formerly Invitae), Labcorp
Classification: Uncertain significance. Last evaluated: 2024-06-25. Review status: criteria provided, single submitter. Criteria: Invitae Variant Classification Sherloc (09022015). Collection method: clinical testing. Allele origin: germline.
Comment: This sequence change replaces isoleucine, which is neutral and non-polar, with threonine, which is neutral and polar, at codon 1865 of the FBN3 protein (p.Ile1865Thr). This variant is present in population databases (rs781406697, gnomAD 0.03%). This variant has not been reported in the literature in individuals affected with FBN3-related conditions. Advanced modeling of protein sequence and biophysical properties (such as structural, functional, and spatial information, amino acid conservation, physicochemical variation, residue mobility, and thermodynamic stability) performed at Invitae indicates that this missense variant is not expected to disrupt FBN3 protein function with a negative predictive value of 80%. In summary, the available evidence is currently insufficient to determine the role of this variant in disease. Therefore, it has been classified as a Variant of Uncertain Significance.